The following is an entry in ClinVar:

ClinVar aggregate classification (germline): Uncertain significance (1 of 4 stars; one submission).

Conditions:
Glycogen storage disease IXd (GSD9D). Also called: GSD IXd; Muscle Phosphorylase Kinase Deficiency. Identifiers: Orphanet 715, MedGen C1845151, MONDO:0010362, OMIM 300559.

Allele frequency attached by ClinVar (database versions not stated): gnomAD exomes below 0.00001 and 0.00001; ExAC 0.00001; gnomAD 0.00001; TOPMed 0.00001.
gnomAD v4.1: 9 of 1,207,518 alleles (0.00075%); highest among the groups gnomAD compares: African/African-American, 0.007%; no homozygotes.

Submission:

Labcorp Genetics (formerly Invitae), Labcorp
Classification: Uncertain significance for Glycogen storage disease IXd. Last evaluated: 2024-10-23. Review status: criteria provided, single submitter. Criteria: Invitae Variant Classification Sherloc (09022015). Collection method: clinical testing. Allele origin: germline.
Comment: This sequence change replaces glutamic acid, which is acidic and polar, with lysine, which is basic and polar, at codon 450 of the PHKA1 protein (p.Glu450Lys). The frequency data for this variant in the population databases is considered unreliable, as metrics indicate poor data quality at this position in the gnomAD database. This variant has not been reported in the literature in individuals affected with PHKA1-related conditions. ClinVar contains an entry for this variant (Variation ID: 1415120). Invitae Evidence Modeling of protein sequence and biophysical properties (such as structural, functional, and spatial information, amino acid conservation, physicochemical variation, residue mobility, and thermodynamic stability) indicates that this missense variant is not expected to disrupt PHKA1 protein function with a negative predictive value of 80%. In summary, the available evidence is currently insufficient to determine the role of this variant in disease. Therefore, it has been classified as a Variant of Uncertain Significance.

NM_002637.4(PHKA1):c.1348G>A (p.Glu450Lys)

Gene: PHKA1 (phosphorylase kinase regulatory subunit alpha 1; minus strand). Cytogenetic location: Xq13.1.
Variant type: single nucleotide variant.
Coding change: c.1348G>A on transcript NM_002637.4 (MANE Select); coding-DNA position 1348, G replaced by A.
Protein change: p.Glu450Lys; replaces glutamic acid 450 with lysine.
Molecular consequence: missense variant.
Genome position (GRCh38, 1-based): chrX:72,644,473, C>T on the plus strand (G>A on the coding strand, the complement: PHKA1 is on the minus strand). VCF-style: chrX-72644473-C-T. GRCh37 (hg19) VCF-style: chrX-71864323-C-T.
Other names: c.1348G>A, p.Glu450Lys (NM_001122670.2, NM_001172436.2); short protein forms E450K.
Identifiers: ClinVar variation 1415120 (VCV001415120.6), dbSNP rs782310573, ClinGen allele CA10450877.